The following is an entry in ClinVar:

ClinVar aggregate classification (germline): Uncertain significance (1 of 4 stars; one submission).

Conditions:
Fanconi anemia (FA). Also called: Fanconi's anemia. Identifiers: Orphanet 84, MedGen C0015625, MeSH D005199, MONDO:0019391.

Allele frequency attached by ClinVar (database versions not stated): gnomAD exomes below 0.00001; gnomAD 0.00001.
gnomAD v4.1: 1 of 1,613,722 alleles (0.000062%); highest among the groups gnomAD compares: Admixed American, 0.0017%; no homozygotes.

Submission:

Labcorp Genetics (formerly Invitae), Labcorp
Classification: Uncertain significance for Fanconi anemia. Last evaluated: 2022-08-31. Review status: criteria provided, single submitter. Criteria: Invitae Variant Classification Sherloc (09022015). Collection method: clinical testing. Allele origin: germline.
Comment: ClinVar contains an entry for this variant (Variation ID: 1375057). This variant has not been reported in the literature in individuals affected with FANCI-related conditions. This variant is present in population databases (no rsID available, gnomAD no frequency). This sequence change replaces leucine, which is neutral and non-polar, with isoleucine, which is neutral and non-polar, at codon 1244 of the FANCI protein (p.Leu1244Ile). Algorithms developed to predict the effect of missense changes on protein structure and function are either unavailable or do not agree on the potential impact of this missense change (SIFT: "Deleterious"; PolyPhen-2: "Possibly Damaging"; Align-GVGD: "Class C0"). In summary, the available evidence is currently insufficient to determine the role of this variant in disease. Therefore, it has been classified as a Variant of Uncertain Significance.

NM_001113378.2(FANCI):c.3730C>A (p.Leu1244Ile)

Gene: FANCI (FA complementation group I; plus strand). Cytogenetic location: 15q26.1.
Variant type: single nucleotide variant.
Coding change: c.3730C>A on transcript NM_001113378.2 (MANE Select); coding-DNA position 3730, C replaced by A.
Protein change: p.Leu1244Ile; replaces leucine 1244 with isoleucine.
Molecular consequence: missense variant.
Genome position (GRCh38, 1-based): chr15:89,314,621, C>A. VCF-style: chr15-89314621-C-A. GRCh37 (hg19) VCF-style: chr15-89857852-C-A.
Other names: c.3451C>A, p.Leu1151Ile (NM_001376910.1); c.3730C>A, p.Leu1244Ile (NM_001376911.1); c.3550C>A, p.Leu1184Ile (NM_018193.3); short protein forms L1184I, L1244I, L1151I.
Identifiers: ClinVar variation 1375057 (VCV001375057.6), dbSNP rs1321885310, ClinGen allele CA393743883.
Genomic context (GRCh38, chr15:89,314,621, plus strand): 5'-CTTCAAAAACCATTGAACCTGAAATTTAAGTCTTATGTTCTTTGCCCTTAGGCCAGAGTT[C>A]TTCGGGAAACCAAGCCAATCCCTAACCTCATCTTTGCCATAGAACAGTATGAAAAATTTC-3'
Protein context (NP_001106849.1, residues 1234-1254): AAVATAMARV[Leu1244Ile]RETKPIPNLI